The following is an entry in ClinVar:

NM_004035.7(ACOX1):c.1851del (p.Gly618fs)

Gene: ACOX1 (acyl-CoA oxidase 1; minus strand). Cytogenetic location: 17q25.1.
Variant type: Deletion.
Coding change: c.1851del on transcript NM_004035.7 (MANE Select); coding-DNA position 1851, one base deleted (T; older notation c.1851delT).
Protein change: p.Gly618fs; shifts the reading frame from glycine 618.
Molecular consequence: frameshift variant.
Genome position (GRCh38, 1-based): chr17:75,948,335, A deleted on the plus strand (T on the coding strand, the reverse complement: ACOX1 is on the minus strand); the first of 2 consecutive A bases (chr17:75,948,335-75,948,336); deleting either gives the same sequence. VCF-style (leftmost placement, unchanged base first): chr17-75948334-CA-C. GRCh37 (hg19) VCF-style: chr17-73944415-CA-C.
Other names: c.1737del, p.Gly580fs (NM_001185039.2); c.1851del, p.Gly618fs (NM_007292.6); short protein forms G580fs, G618fs.
Identifiers: ClinVar variation 208560 (VCV000208560.4), dbSNP rs797045080, ClinGen allele CA204544.

ClinVar aggregate classification (germline): Likely pathogenic (1 of 4 stars; one submission).

Conditions:
Acyl-CoA oxidase deficiency. Also called: Peroxisomal acyl-CoA oxidase deficiency; STRAIGHT-CHAIN ACYL-CoA OXIDASE DEFICIENCY; Pseudoneonatal adrenoleukodystrophy. Identifiers: Orphanet 2971, MedGen C1849678, MONDO:0009919, OMIM 264470. Disease mechanism: loss of function.

Submission:

Laboratory for Molecular Medicine, Mass General Brigham Personalized Medicine
Classification: Likely pathogenic for Pseudoneonatal adrenoleukodystrophy. Last evaluated: 2014-03-31. Review status: criteria provided, single submitter. Criteria: LMM Criteria. Collection method: clinical testing. Allele origin: germline. Inheritance: Autosomal recessive inheritance. Observed: 1 variant allele. Study: CSER-MedSeq.
Comment: The c.1851delT variant in ACOX1 has not been reported in individuals with peroxisomal acyl-CoA oxidase deficiency or in large population studies. This frameshift variant is predicted to alter the protein’s amino acid sequence beginning at position 618 and lead to a premature termination codon 24 amino acids downstream. This alteration is then predicted to lead to a truncated or absent protein. In summary, this variant is likely pathogenic, though additional studies are required to fully establish its clinical significance.